The following is an entry in ClinVar:

ClinVar aggregate classification (germline): Conflicting classifications of pathogenicity. Review status: criteria provided, conflicting classifications (1 of 4 stars). 2 submissions from 2 submitters: Uncertain significance (1); Likely benign (1). Last evaluated 2026-06-29.

Allele frequency attached by ClinVar (database versions not stated): ExAC 0.00004; 1000 Genomes Project 30x 0.00016; TOPMed 0.00004; gnomAD 0.00005; gnomAD exomes 0.00002; 1000 Genomes Project 0.00020.
gnomAD v4.1: 47 of 1,614,028 alleles (0.0029%); highest among the groups gnomAD compares: Middle Eastern, 0.18%; no homozygotes.

Submissions (2):

Ambry Genetics
Classification: Likely benign. Last evaluated: 2026-06-29. Review status: criteria provided, single submitter. Criteria: Ambry Variant Classification Scheme 2023. Collection method: clinical testing. Allele origin: germline.

Labcorp Genetics (formerly Invitae), Labcorp
Classification: Uncertain significance. Last evaluated: 2023-04-24. Review status: criteria provided, single submitter. Criteria: Invitae Variant Classification Sherloc (09022015). Collection method: clinical testing. Allele origin: germline.
Comment: In summary, the available evidence is currently insufficient to determine the role of this variant in disease. Therefore, it has been classified as a Variant of Uncertain Significance. Algorithms developed to predict the effect of missense changes on protein structure and function output the following: SIFT: "Not Available"; PolyPhen-2: "Benign"; Align-GVGD: "Not Available". The isoleucine amino acid residue is found in multiple mammalian species, which suggests that this missense change does not adversely affect protein function. This variant has not been reported in the literature in individuals affected with ATRIP-related conditions. This variant is present in population databases (rs199783860, gnomAD 0.006%). This sequence change replaces valine, which is neutral and non-polar, with isoleucine, which is neutral and non-polar, at codon 493 of the ATRIP protein (p.Val493Ile).

NM_130384.3(ATRIP):c.1477G>A (p.Val493Ile)

Genes: ATRIP (ATR interacting protein; plus strand), ATRIP-TREX1 (ATRIP-TREX1 readthrough; plus strand). Cytogenetic location: 3p21.31.
Variant type: single nucleotide variant.
Coding change: c.1477G>A on transcript NM_130384.3 (MANE Select); coding-DNA position 1477, G replaced by A.
Protein change: p.Val493Ile; replaces valine 493 with isoleucine.
Molecular consequence: missense variant. On other transcripts: non-coding transcript variant (1).
Genome position (GRCh38, 1-based): chr3:48,460,531, G>A. VCF-style: chr3-48460531-G-A. GRCh37 (hg19) VCF-style: chr3-48501930-G-A.
Other names: c.1477G>A (NM_130384.1); c.1096G>A, p.Val366Ile (NM_001271022.2); c.1198G>A, p.Val400Ile (NM_001271023.2); c.1477G>A, p.Val493Ile (NM_032166.4); short protein forms V366I, V400I, V493I.
Identifiers: ClinVar variation 2725063 (VCV002725063.4), dbSNP rs199783860, ClinGen allele CA2376208.